The following is an entry in ClinVar:

NM_005630.3(SLCO2A1):c.839G>A (p.Arg280Gln)

Gene: SLCO2A1 (solute carrier organic anion transporter family member 2A1; minus strand). Cytogenetic location: 3q22.1.
Variant type: single nucleotide variant.
Coding change: c.839G>A on transcript NM_005630.3 (MANE Select); coding-DNA position 839, G replaced by A.
Protein change: p.Arg280Gln; replaces arginine 280 with glutamine.
Molecular consequence: missense variant.
Genome position (GRCh38, 1-based): chr3:133,951,230, C>T on the plus strand (G>A on the coding strand, the complement: SLCO2A1 is on the minus strand). VCF-style: chr3-133951230-C-T. GRCh37 (hg19) VCF-style: chr3-133670074-C-T.
Other names: short protein forms R280Q.
Identifiers: ClinVar variation 4829229 (VCV004829229.1).

ClinVar aggregate classification (germline): Uncertain significance (1 of 4 stars; one submission).

Conditions:
Inborn genetic diseases. Identifiers: MedGen C0950123, MeSH D030342.

Submission:

Ambry Genetics
Classification: Uncertain significance for Inborn genetic diseases. Last evaluated: 2025-12-31. Review status: criteria provided, single submitter. Criteria: Ambry Variant Classification Scheme 2023. Collection method: clinical testing. Allele origin: germline.
Comment: The c.839G>A (p.R280Q) alteration is located in exon 6 (coding exon 6) of the SLCO2A1 gene. This alteration results from a G to A substitution at nucleotide position 839, causing the arginine (R) at amino acid position 280 to be replaced by a glutamine (Q). Based on data from gnomAD, the A allele has an overall frequency of 0.001% (3/251418) total alleles studied. The highest observed frequency was 0.012% (2/16244) of African alleles. This amino acid position is well conserved in available vertebrate species. This amino acid alteration is predicted to be tolerated by in silico analysis. In silico splice site analysis for this nucleotide alteration is inconclusive. Based on insufficient or conflicting evidence, the clinical significance of this alteration remains unclear.